The following is an entry in ClinVar:

ClinVar aggregate classification (germline): Likely pathogenic (1 of 4 stars; one submission).

Conditions:
Combined oxidative phosphorylation defect type 17. Also called: Combined oxidative phosphorylation deficiency 17. Identifiers: Orphanet 369913, MedGen C3809526, MONDO:0014190, OMIM 615440.

Allele frequency attached by ClinVar (database versions not stated): TOPMed below 0.00001.
gnomAD v4.1: 3 of 1,608,694 alleles (0.00019%); highest among the groups gnomAD compares: Non-Finnish European, 0.00025%; no homozygotes.

Submission:

Labcorp Genetics (formerly Invitae), Labcorp
Classification: Likely pathogenic for Combined oxidative phosphorylation defect type 17. Last evaluated: 2023-01-18. Review status: criteria provided, single submitter. Criteria: Invitae Variant Classification Sherloc (09022015). Collection method: clinical testing. Allele origin: germline.
Comment: In summary, the currently available evidence indicates that the variant is pathogenic, but additional data are needed to prove that conclusively. Therefore, this variant has been classified as Likely Pathogenic. Algorithms developed to predict the effect of sequence changes on RNA splicing suggest that this variant may disrupt the consensus splice site. This variant has not been reported in the literature in individuals affected with ELAC2-related conditions. This variant is not present in population databases (gnomAD no frequency). This sequence change affects an acceptor splice site in intron 18 of the ELAC2 gene. It is expected to disrupt RNA splicing. Variants that disrupt the donor or acceptor splice site typically lead to a loss of protein function (PMID: 16199547), and loss-of-function variants in ELAC2 are known to be pathogenic (PMID: 27769300, 31045291).

Literature cited by the submitters: PubMed 16199547; PubMed 27769300; PubMed 31045291.

NM_018127.7(ELAC2):c.1699-1G>A

Gene: ELAC2 (elaC ribonuclease Z 2; minus strand). Cytogenetic location: 17p12.
Variant type: single nucleotide variant.
Coding change: c.1699-1G>A on transcript NM_018127.7 (MANE Select); the canonical splice acceptor site of the intron before coding-DNA position 1699, G replaced by A.
Molecular consequence: splice acceptor variant.
Genome position (GRCh38, 1-based): chr17:12,995,813, C>T on the plus strand (G>A on the coding strand, the complement: ELAC2 is on the minus strand). VCF-style: chr17-12995813-C-T. GRCh37 (hg19) VCF-style: chr17-12899130-C-T.
Other names: c.1579-1G>A (NM_001165962.2); c.1696-1G>A (NM_173717.2).
Identifiers: ClinVar variation 2742519 (VCV002742519.3), dbSNP rs200727566, ClinGen allele CA398223720.